The following is an entry in ClinVar:

NM_004304.5(ALK):c.2535_2536inv (p.Gly846Ser)

Gene: ALK (ALK receptor tyrosine kinase; minus strand). Cytogenetic location: 2p23.2.
Variant type: Inversion.
Coding change: c.2535_2536inv on transcript NM_004304.5 (MANE Select).
Protein change: p.Gly846Ser; replaces glycine 846 with serine.
Molecular consequence: missense variant.
Genome position: GRCh38 VCF-style: chr2-29232400-CA-TG. GRCh37 (hg19) VCF-style: chr2-29455266-CA-TG.
Other names: c.2535_2536delTGinsCA (NM_004304.4); c.2535_2536delinsCA (NM_004304.5); short protein forms G846S.
Identifiers: ClinVar variation 954603 (VCV000954603.9), ClinGen allele CA1139656840.

ClinVar aggregate classification (germline): Uncertain significance. Review status: criteria provided, multiple submitters, no conflicts (2 of 4 stars). 2 submissions from 2 submitters: Uncertain significance (2). Last evaluated 2025-09-30.
ClinVar aggregate classification (somatic clinical impact): Tier II - Potential (1 of 4 stars; one submission).

Conditions:
Hereditary cancer-predisposing syndrome. Also called: Hereditary neoplastic syndrome; Tumor predisposition; Neoplastic Syndromes, Hereditary; Hereditary Cancer Syndrome. Identifiers: Orphanet 140162, MedGen C0027672, MeSH D009386, MONDO:0015356.
Neuroblastoma, susceptibility to, 3. Also called: ALK-Related Neuroblastic Tumor Susceptibility. Identifiers: Orphanet 635, MedGen C2751681, MONDO:0013083, OMIM 613014.
Neuroblastoma (NB). Identifiers: Orphanet 635, MedGen C0027819, MeSH D009447, MONDO:0005072, HP:0003006.

Submissions (3):

Labcorp Genetics (formerly Invitae), Labcorp
Classification: Uncertain significance for Neuroblastoma, susceptibility to, 3. Last evaluated: 2025-09-30. Review status: criteria provided, single submitter. Criteria: Invitae Variant Classification Sherloc (09022015). Collection method: clinical testing. Allele origin: germline.
Comment: This sequence change replaces glycine, which is neutral and non-polar, with serine, which is neutral and polar, at codon 846 of the ALK protein (p.Gly846Ser). Information on the frequency of this variant in the gnomAD database is not available, as this variant may be reported differently in the database. This variant has not been reported in the literature in individuals affected with ALK-related conditions. ClinVar contains an entry for this variant (Variation ID: 954603). Experimental studies and prediction algorithms are not available or were not evaluated, and the functional significance of this variant is currently unknown. In summary, the available evidence is currently insufficient to determine the role of this variant in disease. Therefore, it has been classified as a Variant of Uncertain Significance.

Institute for Genomic Medicine (IGM) Clinical Laboratory, Nationwide Children's Hospital
Classification: Tier II - Potential for Neuroblastoma. Assertion type: diagnostic. Clinical significance: supports diagnosis. Last evaluated: 2025-09-25. Review status: criteria provided, single submitter. Criteria: AMP/ASCO/CAP Guidelines, 2017. Collection method: clinical testing. Allele origin: somatic. Affected: yes.
Comment: Variant has Tier II (potential) clinical significance as a diagnostic inclusion criterion in neuroblastoma, based on the following evidence: 1) Appears in one or more well-established professional guidelines (e.g., World Health Organization [WHO]; National Comprehensive Cancer Network [NCCN]) as providing diagnostic, prognostic, or therapeutic information. 2) Diagnostic significance based on multiple small studies (Evidence Level C; PMIDs: 23334666, 33056981, 30523111).

Ambry Genetics
Classification: Uncertain significance for Hereditary cancer-predisposing syndrome. Last evaluated: 2024-12-31. Review status: criteria provided, single submitter. Criteria: Ambry Variant Classification Scheme 2023. Collection method: clinical testing. Allele origin: germline.
Comment: The c.2535_2536delTGinsCA variant (also known as p.G846S), located in coding exon 15 of the ALK gene, results from an in-frame deletion of TG and insertion of CA at nucleotide positions 2535 to 2536. This results in the substitution of the glycine residue for a serine residue at codon 846, an amino acid with similar properties. This amino acid position is highly conserved in available vertebrate species. In addition, the in silico prediction for this alteration is inconclusive. Based on the available evidence, the clinical significance of this variant remains unclear.

Literature cited by the submitters: PubMed 23334666 (cited by Institute for Genomic Medicine (IGM) Clinical Laboratory, Nationwide Children's Hospital); PubMed 33056981 (cited by Institute for Genomic Medicine (IGM) Clinical Laboratory, Nationwide Children's Hospital); PubMed 30523111 (cited by Institute for Genomic Medicine (IGM) Clinical Laboratory, Nationwide Children's Hospital).